The following is an entry in ClinVar:

NM_001080467.3(MYO5B):c.2610C>T (p.His870=)

Gene: MYO5B (myosin VB; minus strand). Cytogenetic location: 18q21.1.
Variant type: single nucleotide variant.
Coding change: c.2610C>T on transcript NM_001080467.3 (MANE Select); coding-DNA position 2610, C replaced by T.
Protein change: p.His870=; no amino-acid change (histidine 870 retained).
Molecular consequence: synonymous variant.
Genome position (GRCh38, 1-based): chr18:49,902,795, G>A on the plus strand (C>T on the coding strand, the complement: MYO5B is on the minus strand). VCF-style: chr18-49902795-G-A. GRCh37 (hg19) VCF-style: chr18-47429165-G-A.
Other names: c.2610C>T (NM_001080467.2).
Identifiers: ClinVar variation 1665238 (VCV001665238.11), dbSNP rs566021600, ClinGen allele CA8960997.

ClinVar aggregate classification (germline): Likely benign. Review status: criteria provided, multiple submitters, no conflicts (2 of 4 stars). 3 submissions from 3 submitters: Likely benign (2). 1 of the submissions does not count toward it. Last evaluated 2025-03-16.

Conditions:
MYO5B-related disorder. Also called: MYO5B-related condition.

Allele frequency attached by ClinVar (database versions not stated): TOPMed 0.00001; gnomAD exomes 0.00004; ExAC 0.00005.
gnomAD v4.1: 37 of 1,602,498 alleles (0.0023%); highest among the groups gnomAD compares: South Asian, 0.0044%; no homozygotes.

Submissions (3):

Labcorp Genetics (formerly Invitae), Labcorp
Classification: Likely benign. Last evaluated: 2025-03-16. Review status: criteria provided, single submitter. Criteria: Invitae Variant Classification Sherloc (09022015). Collection method: clinical testing. Allele origin: germline.

Blueprint Genetics
Classification: Likely benign. Last evaluated: 2020-04-14. Review status: criteria provided, single submitter. Criteria: ACMG Guidelines, 2015. Collection method: clinical testing. Allele origin: germline.

PreventionGenetics, part of Exact Sciences
Classification: Likely benign for MYO5B-related condition. Last evaluated: 2023-07-11. Review status: no assertion criteria provided. Collection method: clinical testing. Allele origin: germline. Not counted in ClinVar's aggregate classification.
Comment: This variant is classified as likely benign based on ACMG/AMP sequence variant interpretation guidelines (Richards et al. 2015 PMID: 25741868, with internal and published modifications).